The following is an entry in ClinVar:

ClinVar aggregate classification (germline): Likely pathogenic (1 of 4 stars; one submission).

Submission:

Labcorp Genetics (formerly Invitae), Labcorp
Classification: Likely pathogenic. Last evaluated: 2022-06-02. Review status: criteria provided, single submitter. Criteria: Invitae Variant Classification Sherloc (09022015). Collection method: clinical testing. Allele origin: germline.
Comment: This variant is not present in population databases (gnomAD no frequency). This sequence change affects an acceptor splice site in intron 12 of the ORC1 gene. It is expected to disrupt RNA splicing. Variants that disrupt the donor or acceptor splice site typically lead to a loss of protein function (PMID: 16199547), and loss-of-function variants in ORC1 are known to be pathogenic (PMID: 21358633). This variant has not been reported in the literature in individuals affected with ORC1-related conditions. Algorithms developed to predict the effect of sequence changes on RNA splicing suggest that this variant may disrupt the consensus splice site. In summary, the currently available evidence indicates that the variant is pathogenic, but additional data are needed to prove that conclusively. Therefore, this variant has been classified as Likely Pathogenic.

Literature cited by the submitters: PubMed 16199547; PubMed 21358633.

NM_004153.4(ORC1):c.1864-1G>C

Gene: ORC1 (origin recognition complex subunit 1; minus strand). Cytogenetic location: 1p32.3.
Variant type: single nucleotide variant.
Coding change: c.1864-1G>C on transcript NM_004153.4 (MANE Select); the canonical splice acceptor site of the intron before coding-DNA position 1864, G replaced by C.
Molecular consequence: splice acceptor variant.
Genome position (GRCh38, 1-based): chr1:52,383,570, C>G on the plus strand (G>C on the coding strand, the complement: ORC1 is on the minus strand). VCF-style: chr1-52383570-C-G. GRCh37 (hg19) VCF-style: chr1-52849242-C-G.
Other names: c.1864-1G>C (NM_001190818.2); c.1849-1G>C (NM_001190819.2).
Identifiers: ClinVar variation 2002096 (VCV002002096.4), dbSNP rs2524086364, ClinGen allele CA340351935.